The following is an entry in ClinVar:

NM_001243279.3(ACSF3):c.-36C>T

Gene: ACSF3 (acyl-CoA synthetase family member 3; plus strand). Cytogenetic location: 16q24.3.
Variant type: single nucleotide variant.
Coding change: c.-36C>T on transcript NM_001243279.3 (MANE Select); 36 bases upstream of the start codon, C replaced by T.
Molecular consequence: 5 prime UTR variant. On other transcripts: non-coding transcript variant (3), intron variant (2).
Genome position (GRCh38, 1-based): chr16:89,098,748, C>T. VCF-style: chr16-89098748-C-T. GRCh37 (hg19) VCF-style: chr16-89165156-C-T.
Other names: c.-36C>T (NM_174917.5); c.-20-1914C>T (NM_001127214.4); c.-129-3856C>T (NM_001284316.2).
Identifiers: ClinVar variation 682547 (VCV000682547.1), dbSNP rs1466896036, ClinGen allele CA624216211.
Genomic context (GRCh38, chr16:89,098,748, plus strand): 5'-TGCTGAAGCAGCTGTGCCTGCCGCTCTTGTGAACTGCGAACTTCCCCTTACCTCCTCTCT[C>T]TGGCTCGGGAGCTGGGTGAGTTTGAACTTGGCCTCCTTTGCTTTTCTGTGTGCGAACAAG-3'

ClinVar aggregate classification (germline): Likely benign (1 of 4 stars; one submission).

Allele frequency attached by ClinVar (database versions not stated): gnomAD exomes 0.00003; TOPMed 0.00004.
gnomAD v4.1: 12 of 454,072 alleles (0.0026%); highest among the groups gnomAD compares: Non-Finnish European, 0.0044%; no homozygotes.

Submission:

GeneDx
Classification: Likely benign. Last evaluated: 2018-05-03. Review status: criteria provided, single submitter. Criteria: GeneDx Variant Classification (06012015). Collection method: clinical testing. Allele origin: germline. Affected: yes.
Comment: This variant is considered likely benign or benign based on one or more of the following criteria: it is a conservative change, it occurs at a poorly conserved position in the protein, it is predicted to be benign by multiple in silico algorithms, and/or has population frequency not consistent with disease.